The following is an entry in ClinVar:

ClinVar aggregate classification (germline): Conflicting classifications of pathogenicity. Review status: criteria provided, conflicting classifications (1 of 4 stars). 8 submissions from 8 submitters: Uncertain significance (7); Likely benign (1). Last evaluated 2026-01-20.

Conditions:
Hereditary cancer-predisposing syndrome. Also called: Neoplastic Syndromes, Hereditary; Hereditary Cancer Syndrome; Tumor predisposition; Hereditary neoplastic syndrome. Identifiers: Orphanet 140162, MedGen C0027672, MeSH D009386, MONDO:0015356.
Neurofibromatosis, type 2 (SWNV). Also called: BILATERAL ACOUSTIC NEUROFIBROMATOSIS; NF2-Related Schwannomatosis; SCHWANNOMATOSIS, VESTIBULAR. Identifiers: Orphanet 637, MedGen C0027832, MONDO:0007039, OMIM 101000. Disease mechanism: loss of function.
Familial meningioma. Also called: Meningioma, familial, susceptibility to. Identifiers: Orphanet 263662, MedGen C3551915, MONDO:0011789, OMIM 607174.

Allele frequency attached by ClinVar (database versions not stated): gnomAD exomes 0.00004 and 0.00002; ExAC 0.00002; TOPMed 0.00002.

Submissions (8):

Labcorp Genetics (formerly Invitae), Labcorp
Classification: Uncertain significance for Neurofibromatosis, type 2. Last evaluated: 2026-01-20. Review status: criteria provided, single submitter. Criteria: Invitae Variant Classification Sherloc (09022015). Collection method: clinical testing. Allele origin: germline.
Comment: This variant, c.243_248del, results in the deletion of 2 amino acid(s) of the NF2 protein (p.Leu82_Asp83del), but otherwise preserves the integrity of the reading frame. This variant is present in population databases (rs777858863, gnomAD 0.02%). This variant has not been reported in the literature in individuals affected with NF2-related conditions. ClinVar contains an entry for this variant (Variation ID: 527697). Experimental studies and prediction algorithms are not available or were not evaluated, and the functional significance of this variant is currently unknown. In summary, the available evidence is currently insufficient to determine the role of this variant in disease. Therefore, it has been classified as a Variant of Uncertain Significance.

Dasa
Classification: Uncertain significance. Last evaluated: 2025-07-31. Review status: criteria provided, single submitter. Criteria: DASA Assertion Criteria. Collection method: clinical testing. Allele origin: germline.
Comment: NM_000268.4(NF2):c.243_248del (p.Leu82_Asp83del) is an in-frame deletion predicted to remove amino acids from leucine at protein position 82 through aspartic acid at protein position 83 without shifting the reading frame. This variant is rare in population databases. The currently available literature and clinical evidence are not sufficient to establish a definitive association between this variant and the reported condition. Therefore, this variant is classified as a variant of uncertain significance.

GeneDx
Classification: Uncertain significance. Last evaluated: 2024-12-18. Review status: criteria provided, single submitter. Criteria: GeneDx Variant Classification Process June 2021. Collection method: clinical testing. Allele origin: germline. Affected: yes.
Comment: In-frame deletion of 2 amino acid(s) in a non-repeat region; Has not been previously published as pathogenic or benign to our knowledge; This variant is associated with the following publications: (PMID: 11756419, 16324214, 36599646)

All of Us Research Program, National Institutes of Health
Classification: Uncertain significance for Neurofibromatosis, type 2. Last evaluated: 2024-06-09. Review status: criteria provided, single submitter. Criteria: ACMG Guidelines, 2015. Collection method: clinical testing. Allele origin: germline. Inheritance: Autosomal dominant inheritance. Observed: 7 variant alleles, 7 heterozygotes.
Comment: This variant causes a deletion of two consecutive amino acids at codons 82 and 83 of the NF2 protein. To our knowledge, functional studies have not been reported for this variant. This variant has not been reported in individuals affected with NF2-related disorders in the literature. This variant has been identified in 9/251458 chromosomes in the general population by the Genome Aggregation Database (gnomAD). The available evidence is insufficient to determine the role of this variant in disease conclusively. Therefore, this variant is classified as a Variant of Uncertain Significance.

This study involves interpretation of variants in research participants for the purpose of population health screening. Participant phenotype was not available at the time of variant classification. Additional details can be found in publication PMID: 35346344, PMCID: PMC8962531

Color Diagnostics, LLC DBA Color Health
Classification: Uncertain significance for Neurofibromatosis, type 2. Last evaluated: 2024-05-24. Review status: criteria provided, single submitter. Criteria: ACMG Guidelines, 2015. Collection method: clinical testing. Allele origin: germline.
Comment: This variant causes an in-frame deletion of two amino acids at codons 82 and 83 of the NF2 protein. To our knowledge, functional studies have not been reported for this variant. This variant has not been reported in individuals affected with NF2-related disorders in the literature. This variant has been identified in 9/251458 chromosomes in the general population by the Genome Aggregation Database (gnomAD). The available evidence is insufficient to determine the role of this variant in disease conclusively. Therefore, this variant is classified as a Variant of Uncertain Significance.

Fulgent Genetics
Classification: Uncertain significance for Neurofibromatosis, type 2; Familial meningioma. Last evaluated: 2024-04-10. Review status: criteria provided, single submitter. Criteria: ACMG Guidelines, 2015. Collection method: clinical testing. Allele origin: germline.

Ambry Genetics
Classification: Likely benign for Hereditary cancer-predisposing syndrome. Last evaluated: 2023-04-06. Review status: criteria provided, single submitter. Criteria: Ambry Variant Classification Scheme 2023. Collection method: clinical testing. Allele origin: germline.

Genome-Nilou Lab
Classification: Uncertain significance for Neurofibromatosis, type 2. Last evaluated: 2021-11-07. Review status: criteria provided, single submitter. Criteria: ACMG Guidelines, 2015. Collection method: clinical testing. Allele origin: germline. Affected: no.

NM_000268.4(NF2):c.243_248del (p.Leu82_Asp83del)

Gene: NF2 (NF2, moesin-ezrin-radixin like (MERLIN) tumor suppressor; plus strand). Cytogenetic location: 22q12.2.
Variant type: Deletion.
Coding change: c.243_248del on transcript NM_000268.4 (MANE Select); coding-DNA positions 243 to 248, 6 bases deleted (ACTGGA; older notation c.243_248delACTGGA).
Protein change: p.Leu82_Asp83del.
Molecular consequence: inframe deletion. On other transcripts: non-coding transcript variant (1), intron variant (3).
Genome position (GRCh38, 1-based): chr22:29,639,092-29,639,097, ACTGGA deleted. VCF-style (leftmost placement, unchanged base first): chr22-29639091-TACTGGA-T. GRCh37 (hg19) VCF-style: chr22-30035080-TACTGGA-T.
Other names: c.243_248delACTGGA (NM_000268.3); c.243_248del, p.Leu82_Asp83del (NM_016418.5, NM_181825.3, NM_181832.3 and 1 more transcripts); c.117_122del, p.Leu40_Asp41del (NM_181828.3); c.240+2216_240+2221del (NM_181829.3); c.115-3110_115-3105del (NM_181830.3, NM_181831.3).
Identifiers: ClinVar variation 527697 (VCV000527697.24), dbSNP rs777858863, ClinGen allele CA030457.
Genomic context (GRCh38, chr22:29,639,091, plus strand): 5'-GGTAGCACAGGAGGAAGTGCCAATATAGTGTGTTTGTCTTTTGCTCTGCAATTCTGCAGG[TACTGGA>T]TCATGATGTTTCAAAGGAAGAACCAGTCACCTTTCACTTCTTGGCCAAATTTTATCCTGA-3'